The following is an entry in ClinVar:

ClinVar aggregate classification (germline): Uncertain significance. Review status: criteria provided, multiple submitters, no conflicts (2 of 4 stars). 2 submissions from 2 submitters: Uncertain significance (2). Last evaluated 2024-03-18.

Conditions:
Inborn genetic diseases. Identifiers: MedGen C0950123, MeSH D030342.
Hereditary spastic paraplegia 11. Also called: Autosomal recessive hereditary spastic paraplegia, mental impairment, and thin corpus callosum; SPASTIC PARAPLEGIA, AUTOSOMAL RECESSIVE, COMPLICATED, WITH THIN CORPUS CALLOSUM; SPASTIC PARAPLEGIA, AUTOSOMAL RECESSIVE, WITH MENTAL IMPAIRMENT AND THIN CORPUS CALLOSUM; Spastic paraplegia, mental retardation and thin corpus callosum; Spastic Paraplegia 11; Nakamura Osame syndrome. Identifiers: Orphanet 2822, MedGen C1858479, MONDO:0011445, OMIM 604360.

Submissions (2):

Ambry Genetics
Classification: Uncertain significance for Inborn genetic diseases. Last evaluated: 2024-03-18. Review status: criteria provided, single submitter. Criteria: Ambry Variant Classification Scheme 2023. Collection method: clinical testing. Allele origin: germline.

Labcorp Genetics (formerly Invitae), Labcorp
Classification: Uncertain significance for Hereditary spastic paraplegia 11. Last evaluated: 2022-06-05. Review status: criteria provided, single submitter. Criteria: Invitae Variant Classification Sherloc (09022015). Collection method: clinical testing. Allele origin: germline.
Comment: This sequence change replaces asparagine, which is neutral and polar, with histidine, which is basic and polar, at codon 2310 of the SPG11 protein (p.Asn2310His). This variant is not present in population databases (gnomAD no frequency). This variant has not been reported in the literature in individuals affected with SPG11-related conditions. ClinVar contains an entry for this variant (Variation ID: 1475785). Algorithms developed to predict the effect of missense changes on protein structure and function are either unavailable or do not agree on the potential impact of this missense change (SIFT: "Tolerated"; PolyPhen-2: "Probably Damaging"; Align-GVGD: "Class C0"). In summary, the available evidence is currently insufficient to determine the role of this variant in disease. Therefore, it has been classified as a Variant of Uncertain Significance.

NM_025137.4(SPG11):c.6928A>C (p.Asn2310His)

Gene: SPG11 (SPG11 vesicle trafficking associated, spatacsin; minus strand). Cytogenetic location: 15q21.1.
Variant type: single nucleotide variant.
Coding change: c.6928A>C on transcript NM_025137.4 (MANE Select); coding-DNA position 6928, A replaced by C.
Protein change: p.Asn2310His; replaces asparagine 2310 with histidine.
Molecular consequence: missense variant.
Genome position (GRCh38, 1-based): chr15:44,565,925, T>G on the plus strand (A>C on the coding strand, the complement: SPG11 is on the minus strand). VCF-style: chr15-44565925-T-G. GRCh37 (hg19) VCF-style: chr15-44858123-T-G.
Other names: c.6589A>C, p.Asn2197His (NM_001160227.2); c.6928A>C (NM_025137.3); short protein forms N2197H, N2310H.
Identifiers: ClinVar variation 1475785 (VCV001475785.7), dbSNP rs2140913625, ClinGen allele CA392213169.
Genomic context (GRCh38, chr15:44,565,925, plus strand): 5'-GAGGTAGGGCCAGAATACAGTCCATCAGCTTGTGGCGGCCCAAGTTGATGAGCATTGTGT[T>G]CTGGCCAGTGTTCAGAAAGTGAATCTGCAGAGTTATCAACTTGGTGAGCCGCTGACAGTG-3'
Protein context (NP_079413.3, residues 2300-2320): LQIHFLNTGQ[Asn2310His]TMLINLGRHK